The following is an entry in ClinVar:

ClinVar aggregate classification (germline): Pathogenic (1 of 4 stars; one submission).

Conditions:
Marfan syndrome (MFS). Also called: MARFAN SYNDROME, TYPE I; Marfan syndrome type 1; Marfan's syndrome; Marfan syndrome, classic; FBN1-Related Marfan Syndrome. Identifiers: Orphanet 284963, Orphanet 558, MedGen C0024796, MONDO:0007947, OMIM 154700.
Familial thoracic aortic aneurysm and aortic dissection (TAAD). Also called: Thoracic aortic aneurysms and dissections. Identifiers: Orphanet 91387, MedGen C4707243, MONDO:0019625.

Submission:

Labcorp Genetics (formerly Invitae), Labcorp
Classification: Pathogenic for Marfan syndrome; Familial thoracic aortic aneurysm and aortic dissection. Last evaluated: 2023-12-30. Review status: criteria provided, single submitter. Criteria: Invitae Variant Classification Sherloc (09022015). Collection method: clinical testing. Allele origin: unknown.
Comment: This variant is a gross deletion of the genomic region encompassing exon(s) 11-12 of the FBN1 gene. This variant would be expected to be in-frame, preserving the integrity of the reading frame. This variant has not been reported in the literature in individuals affected with FBN1-related conditions. This variant affects a cysteine residue in the EGF-like, TGFBP or hybrid motif domains of FBN1. Cysteine residues are believed to be involved in intramolecular disulfide bridges and have been shown to be important for FBN1 protein structure (PMID: 16905551, 19349279). In addition, missense substitutions affecting cysteine residues within these domains are significantly overrepresented among patients with Marfan syndrome (PMID: 16571647, 17701892). For these reasons, this variant has been classified as Pathogenic.

Literature cited by the submitters: PubMed 16905551; PubMed 19349279; PubMed 16571647; PubMed 17701892.

NC_000015.9:g.(?_48807564)_(48808579_?)del

Gene: FBN1 (fibrillin 1; minus strand). Cytogenetic location: 15q21.1.
Variant type: Deletion.
Identifiers: ClinVar variation 3243718 (VCV003243718.1).